The following is an entry in ClinVar:

NM_002693.3(POLG):c.1621C>T (p.Gln541Ter)

Gene: POLG (DNA polymerase gamma, catalytic subunit; minus strand). Cytogenetic location: 15q26.1.
Variant type: single nucleotide variant.
Coding change: c.1621C>T on transcript NM_002693.3 (MANE Select); coding-DNA position 1621, C replaced by T.
Protein change: p.Gln541Ter; replaces glutamine 541 with a stop codon.
Molecular consequence: nonsense.
Genome position (GRCh38, 1-based): chr15:89,326,703, G>A on the plus strand (C>T on the coding strand, the complement: POLG is on the minus strand). VCF-style: chr15-89326703-G-A. GRCh37 (hg19) VCF-style: chr15-89869934-G-A.
Other names: c.1621C>T, p.Gln541Ter (NM_001126131.2); short protein forms Q541*.
Identifiers: ClinVar variation 5013596 (VCV005013596.1).

ClinVar aggregate classification (germline): Pathogenic (1 of 4 stars; one submission).

Conditions:
POLG-related disorder. Also called: POLG-Related Spectrum Disorders; POLG-related condition; POLG-Related Disorders. Identifiers: MedGen C4763519.

Submission:

Myriad Genetics, Inc.
Classification: Pathogenic for POLG-related disorder. Last evaluated: 2024-10-01. Review status: criteria provided, single submitter. Criteria: Myriad Autosomal Dominant, Autosomal Recessive and X-Linked Classification Criteria (2023). Collection method: clinical testing. Allele origin: unknown.
Comment: NM_002693.2(POLG):c.1621C>T(Q541*) is expected to be pathogenic in the context of POLG-related disorders. This variant is predicted to lead to an abnormal or absent protein product due to the creation of a premature termination codon in POLG, a gene where loss-of-function variants are known to be pathogenic. Please note: this variant was assessed in the context of healthy population screening.